The following is an entry in ClinVar:

ClinVar aggregate classification (germline): Uncertain significance (1 of 4 stars; one submission).

Allele frequency attached by ClinVar (database versions not stated): ExAC 0.00001; gnomAD 0.00001; TOPMed 0.00002; gnomAD exomes 0.00010.
gnomAD v4.1: 147 of 1,613,888 alleles (0.0091%); highest among the groups gnomAD compares: Non-Finnish European, 0.012%; no homozygotes.

Submission:

Labcorp Genetics (formerly Invitae), Labcorp
Classification: Uncertain significance. Last evaluated: 2022-06-09. Review status: criteria provided, single submitter. Criteria: Invitae Variant Classification Sherloc (09022015). Collection method: clinical testing. Allele origin: germline.
Comment: In summary, the available evidence is currently insufficient to determine the role of this variant in disease. Therefore, it has been classified as a Variant of Uncertain Significance. Algorithms developed to predict the effect of missense changes on protein structure and function output the following: SIFT: "Tolerated"; PolyPhen-2: "Not Available"; Align-GVGD: "Class C0". The proline amino acid residue is found in multiple mammalian species, which suggests that this missense change does not adversely affect protein function. This variant has not been reported in the literature in individuals affected with RIN2-related conditions. The frequency data for this variant in the population databases is considered unreliable, as metrics indicate poor data quality at this position in the gnomAD database. This sequence change replaces leucine, which is neutral and non-polar, with proline, which is neutral and non-polar, at codon 230 of the RIN2 protein (p.Leu230Pro).

NM_018993.4(RIN2):c.689T>C (p.Leu230Pro)

Gene: RIN2 (Ras and Rab interactor 2; plus strand). Cytogenetic location: 20p11.23.
Variant type: single nucleotide variant.
Coding change: c.689T>C on transcript NM_018993.4 (MANE Select); coding-DNA position 689, T replaced by C.
Protein change: p.Leu230Pro; replaces leucine 230 with proline.
Molecular consequence: missense variant.
Genome position (GRCh38, 1-based): chr20:19,974,714, T>C. VCF-style: chr20-19974714-T-C. GRCh37 (hg19) VCF-style: chr20-19955358-T-C.
Other names: c.836T>C, p.Leu279Pro (NM_001242581.2); c.71T>C, p.Leu24Pro (NM_001378238.1); short protein forms L279P, L24P, L230P.
Identifiers: ClinVar variation 2198174 (VCV002198174.3), dbSNP rs760056476, ClinGen allele CA9779908.